The following is an entry in ClinVar:

NM_032444.4(SLX4):c.5446G>A (p.Glu1816Lys)

Gene: SLX4 (SLX4 structure-specific endonuclease subunit; minus strand). Cytogenetic location: 16p13.3.
Variant type: single nucleotide variant.
Coding change: c.5446G>A on transcript NM_032444.4 (MANE Select); coding-DNA position 5446, G replaced by A.
Protein change: p.Glu1816Lys; replaces glutamic acid 1816 with lysine.
Molecular consequence: missense variant.
Genome position (GRCh38, 1-based): chr16:3,582,401, C>T on the plus strand (G>A on the coding strand, the complement: SLX4 is on the minus strand). VCF-style: chr16-3582401-C-T. GRCh37 (hg19) VCF-style: chr16-3632402-C-T.
Other names: short protein forms E1816K.
Identifiers: ClinVar variation 2723264 (VCV002723264.5), dbSNP rs750340019, ClinGen allele CA7865304.

ClinVar aggregate classification (germline): Conflicting classifications of pathogenicity. Review status: criteria provided, conflicting classifications (1 of 4 stars). 2 submissions from 2 submitters: Uncertain significance (1); Likely benign (1). Last evaluated 2025-03-18.

Conditions:
Fanconi anemia (FA). Also called: Fanconi's anemia. Identifiers: Orphanet 84, MedGen C0015625, MeSH D005199, MONDO:0019391.

Allele frequency attached by ClinVar (database versions not stated): gnomAD exomes below 0.00001; ExAC 0.00001.
gnomAD v4.1: 5 of 1,613,946 alleles (0.00031%); highest among the groups gnomAD compares: Admixed American, 0.0017%; no homozygotes.

Submissions (2):

Dasa
Classification: Likely benign. Last evaluated: 2025-03-18. Review status: criteria provided, single submitter. Criteria: DASA Assertion Criteria. Collection method: clinical testing. Allele origin: germline.
Comment: NM_032444.4(SLX4):c.5446G>A (p.Glu1816Lys) is a missense variant that results in the substitution of glutamic acid with lysine. The variant context is inconsistent with a known disease-causing mechanism. Computational prediction algorithms are consistent with a benign effect. Therefore, based on the currently available evidence, this variant is classified as likely benign.

Labcorp Genetics (formerly Invitae), Labcorp
Classification: Uncertain significance for Fanconi anemia. Last evaluated: 2024-02-29. Review status: criteria provided, single submitter. Criteria: Invitae Variant Classification Sherloc (09022015). Collection method: clinical testing. Allele origin: germline.
Comment: This sequence change replaces glutamic acid, which is acidic and polar, with lysine, which is basic and polar, at codon 1816 of the SLX4 protein (p.Glu1816Lys). This variant is present in population databases (rs750340019, gnomAD 0.003%). This variant has not been reported in the literature in individuals affected with SLX4-related conditions. An algorithm developed to predict the effect of missense changes on protein structure and function (PolyPhen-2) suggests that this variant is likely to be tolerated. In summary, the available evidence is currently insufficient to determine the role of this variant in disease. Therefore, it has been classified as a Variant of Uncertain Significance.